The following is an entry in ClinVar:

ClinVar aggregate classification (germline): Conflicting classifications of pathogenicity. Review status: criteria provided, conflicting classifications (1 of 4 stars). 5 submissions from 5 submitters: Uncertain significance (4); Likely benign (1). Last evaluated 2026-01-27.

Conditions:
Hereditary cancer-predisposing syndrome. Also called: Hereditary neoplastic syndrome; Neoplastic Syndromes, Hereditary; Tumor predisposition; Hereditary Cancer Syndrome. Identifiers: Orphanet 140162, MedGen C0027672, MeSH D009386, MONDO:0015356.
Pancreatic cancer, susceptibility to, 3. Identifiers: Orphanet 1333, MedGen C3150547, MONDO:0013236, OMIM 613348.
Familial cancer of breast. Also called: BREAST CANCER, FAMILIAL; Hereditary breast cancer; hereditary breast carcinoma. Identifiers: Orphanet 227535, MedGen C0346153, MONDO:0016419, OMIM 114480. Disease mechanism: loss of function.
Fanconi anemia complementation group N. Also called: PALB2-Related Fanconi Anemia. Identifiers: Orphanet 84, MedGen C1835817, MONDO:0012565, OMIM 610832. Disease mechanism: loss of function.

Allele frequency attached by ClinVar (database versions not stated): gnomAD exomes below 0.00001 and 0.00001; gnomAD 0.00001; TOPMed 0.00003.
gnomAD v4.1: 10 of 1,614,008 alleles (0.00062%); highest among the groups gnomAD compares: African/African-American, 0.004%; no homozygotes.

Submissions (5):

Labcorp Genetics (formerly Invitae), Labcorp
Classification: Uncertain significance for Familial cancer of breast. Last evaluated: 2026-01-27. Review status: criteria provided, single submitter. Criteria: Invitae Variant Classification Sherloc (09022015). Collection method: clinical testing. Allele origin: germline.
Comment: This sequence change replaces lysine, which is basic and polar, with glutamic acid, which is acidic and polar, at codon 974 of the PALB2 protein (p.Lys974Glu). This variant is present in population databases (no rsID available, gnomAD 0.007%). This missense change has been observed in individual(s) with breast cancer (PMID: 28709830). ClinVar contains an entry for this variant (Variation ID: 484159). Invitae Evidence Modeling of protein sequence and biophysical properties (such as structural, functional, and spatial information, amino acid conservation, physicochemical variation, residue mobility, and thermodynamic stability) indicates that this missense variant is not expected to disrupt PALB2 protein function with a negative predictive value of 80%. In summary, the available evidence is currently insufficient to determine the role of this variant in disease. Therefore, it has been classified as a Variant of Uncertain Significance.

Ambry Genetics
Classification: Likely benign for Hereditary cancer-predisposing syndrome. Last evaluated: 2024-03-27. Review status: criteria provided, single submitter. Criteria: Ambry Variant Classification Scheme 2023. Collection method: clinical testing. Allele origin: germline.

Baylor Genetics
Classification: Uncertain significance for Familial cancer of breast. Last evaluated: 2024-03-11. Review status: criteria provided, single submitter. Criteria: ACMG Guidelines, 2015. Collection method: clinical testing. Allele origin: unknown.

GeneDx
Classification: Uncertain significance. Last evaluated: 2022-08-15. Review status: criteria provided, single submitter. Criteria: GeneDx Variant Classification Process June 2021. Collection method: clinical testing. Allele origin: germline. Affected: yes.
Comment: Not observed at significant frequency in large population cohorts (gnomAD); In silico analysis supports that this missense variant does not alter protein structure/function; Observed in an individual with breast cancer (Schoolmeester et al., 2017); This variant is associated with the following publications: (PMID: 28709830, 24485656, 19609323, 20871615)

Fulgent Genetics
Classification: Uncertain significance for Familial cancer of breast; Fanconi anemia complementation group N; Pancreatic cancer, susceptibility to, 3. Last evaluated: 2022-03-15. Review status: criteria provided, single submitter. Criteria: ACMG Guidelines, 2015. Collection method: clinical testing. Allele origin: unknown.

Literature cited by the submitters: PubMed 28709830 (cited by Labcorp Genetics (formerly Invitae), Labcorp and Ambry Genetics).

NM_024675.4(PALB2):c.2920A>G (p.Lys974Glu)

Gene: PALB2 (partner and localizer of BRCA2; minus strand). Cytogenetic location: 16p12.2.
Variant type: single nucleotide variant.
Coding change: c.2920A>G on transcript NM_024675.4 (MANE Select); coding-DNA position 2920, A replaced by G.
Protein change: p.Lys974Glu; replaces lysine 974 with glutamic acid.
Molecular consequence: missense variant.
Genome position (GRCh38, 1-based): chr16:23,623,045, T>C on the plus strand (A>G on the coding strand, the complement: PALB2 is on the minus strand). VCF-style: chr16-23623045-T-C. GRCh37 (hg19) VCF-style: chr16-23634366-T-C.
Other names: short protein forms K974E.
Identifiers: ClinVar variation 484159 (VCV000484159.20), dbSNP rs1418709183, ClinGen allele CA395144193.